The following is an entry in ClinVar:

NM_001378778.1(MPDZ):c.5368G>A (p.Ala1790Thr)

Gene: MPDZ (multiple PDZ domain crumbs cell polarity complex component; minus strand). Cytogenetic location: 9p23.
Variant type: single nucleotide variant.
Coding change: c.5368G>A on transcript NM_001378778.1 (MANE Select); coding-DNA position 5368, G replaced by A.
Protein change: p.Ala1790Thr; replaces alanine 1790 with threonine.
Molecular consequence: missense variant.
Genome position (GRCh38, 1-based): chr9:13,119,513, C>T on the plus strand (G>A on the coding strand, the complement: MPDZ is on the minus strand). VCF-style: chr9-13119513-C-T. GRCh37 (hg19) VCF-style: chr9-13119512-C-T.
Other names: c.5269G>A, p.Ala1757Thr (NM_001261406.2, NM_001261407.2, NM_001375416.1 and 3 more transcripts); c.5368G>A, p.Ala1790Thr (NM_001330637.2, NM_003829.5); c.5467G>A, p.Ala1823Thr (NM_001375413.1); c.5158G>A, p.Ala1720Thr (NM_001375420.1, NM_001375421.1, NM_001375422.1 and 4 more transcripts); c.4960G>A, p.Ala1654Thr (NM_001375427.1); short protein forms A1757T, A1720T, A1823T, A1654T, A1790T.
Identifiers: ClinVar variation 1357780 (VCV001357780.6), dbSNP rs757171783, ClinGen allele CA4986333.

ClinVar aggregate classification (germline): Uncertain significance (1 of 4 stars; one submission).

gnomAD v4.1: 7 of 1,609,744 alleles (0.00043%); highest among the groups gnomAD compares: South Asian, 0.0011%; no homozygotes.

Submission:

Labcorp Genetics (formerly Invitae), Labcorp
Classification: Uncertain significance. Last evaluated: 2023-07-17. Review status: criteria provided, single submitter. Criteria: Invitae Variant Classification Sherloc (09022015). Collection method: clinical testing. Allele origin: germline.
Comment: In summary, the available evidence is currently insufficient to determine the role of this variant in disease. Therefore, it has been classified as a Variant of Uncertain Significance. An algorithm developed to predict the effect of missense changes on protein structure and function (PolyPhen-2) suggests that this variant is likely to be disruptive. ClinVar contains an entry for this variant (Variation ID: 1357780). This variant has not been reported in the literature in individuals affected with MPDZ-related conditions. This variant is present in population databases (rs757171783, gnomAD 0.0009%). This sequence change replaces alanine, which is neutral and non-polar, with threonine, which is neutral and polar, at codon 1790 of the MPDZ protein (p.Ala1790Thr).